The following is an entry in ClinVar:

NM_003850.3(SUCLA2):c.434C>T (p.Thr145Met)

Gene: SUCLA2 (succinate-CoA ligase ADP-forming subunit beta; minus strand). Cytogenetic location: 13q14.2.
Variant type: single nucleotide variant.
Coding change: c.434C>T on transcript NM_003850.3 (MANE Select); coding-DNA position 434, C replaced by T.
Protein change: p.Thr145Met; replaces threonine 145 with methionine.
Molecular consequence: missense variant.
Genome position (GRCh38, 1-based): chr13:47,988,641, G>A on the plus strand (C>T on the coding strand, the complement: SUCLA2 is on the minus strand). VCF-style: chr13-47988641-G-A. GRCh37 (hg19) VCF-style: chr13-48562776-G-A.
Other names: c.434C>T (NM_003850.2); short protein forms T145M.
Identifiers: ClinVar variation 1898927 (VCV001898927.3), dbSNP rs747966366, ClinGen allele CA6978002.

ClinVar aggregate classification (germline): Uncertain significance. Review status: criteria provided, multiple submitters, no conflicts (2 of 4 stars). 2 submissions from 2 submitters: Uncertain significance (2). Last evaluated 2023-12-21.

Conditions:
Inborn genetic diseases. Identifiers: MedGen C0950123, MeSH D030342.
Mitochondrial DNA depletion syndrome, encephalomyopathic form with methylmalonic aciduria (MTDPS5). Also called: SUCLA2-Related Mitochondrial DNA Depletion Syndrome, Encephalomyopathic Form with Methylmalonic Aciduria; Mitochondrial encephalomyopathy aminoacidopathy; MITOCHONDRIAL DNA DEPLETION SYNDROME, ENCEPHALOMYOPATHIC FORM, WITH OR WITHOUT METHYLMALONIC ACIDURIA, AUTOSOMAL RECESSIVE, SUCLA2-RELATED; Mitochondrial DNA depletion syndrome 5 (encephalomyopathic with or without methylmalonic aciduria). Identifiers: Orphanet 1933, MedGen C5980207, MONDO:0012791, OMIM 612073.

Allele frequency attached by ClinVar (database versions not stated): TOPMed 0.00001; gnomAD 0.00005; gnomAD exomes 0.00005; ExAC 0.00007.
gnomAD v4.1: 73 of 1,613,576 alleles (0.0045%); highest among the groups gnomAD compares: Non-Finnish European, 0.0031%; no homozygotes.

Submissions (2):

Ambry Genetics
Classification: Uncertain significance for Inborn genetic diseases. Last evaluated: 2023-12-21. Review status: criteria provided, single submitter. Criteria: Ambry Variant Classification Scheme 2023. Collection method: clinical testing. Allele origin: germline.

Labcorp Genetics (formerly Invitae), Labcorp
Classification: Uncertain significance for Mitochondrial DNA depletion syndrome, encephalomyopathic form with methylmalonic aciduria. Last evaluated: 2022-08-09. Review status: criteria provided, single submitter. Criteria: Invitae Variant Classification Sherloc (09022015). Collection method: clinical testing. Allele origin: germline.
Comment: This sequence change replaces threonine, which is neutral and polar, with methionine, which is neutral and non-polar, at codon 145 of the SUCLA2 protein (p.Thr145Met). This variant is present in population databases (rs747966366, gnomAD 0.05%). This variant has not been reported in the literature in individuals affected with SUCLA2-related conditions. Algorithms developed to predict the effect of missense changes on protein structure and function (SIFT, PolyPhen-2, Align-GVGD) all suggest that this variant is likely to be disruptive. In summary, the available evidence is currently insufficient to determine the role of this variant in disease. Therefore, it has been classified as a Variant of Uncertain Significance.